The following is an entry in ClinVar:

ClinVar aggregate classification (germline): Benign (1 of 4 stars; one submission).

Allele frequency attached by ClinVar (database versions not stated): ESP Exome Variant Server 0.20331; TOPMed 0.22132; gnomAD 0.22950; gnomAD exomes 0.27616; 1000 Genomes Project 30x 0.27795; 1000 Genomes Project 0.28754; ExAC 0.29665.

Submission:

Unidad de Genómica Garrahan, Hospital de Pediatría Garrahan
Classification: Benign. Last evaluated: 2024-01-24. Review status: criteria provided, single submitter. Criteria: ACMG Guidelines, 2015. Collection method: clinical testing. Allele origin: germline. Affected: no. Observed: 41 variant alleles.
Comment: This variant is classified as Benign based on local population frequency. This variant was detected in 43% of patients studied by a panel of primary immunodeficiencies. Number of patients: 41. Only high quality variants are reported.

NM_001144958.2(CRACR2A):c.229-37dup

Gene: CRACR2A (calcium release activated channel regulator 2A; minus strand). Cytogenetic location: 12p13.32.
Variant type: Duplication.
Coding change: c.229-37dup on transcript NM_001144958.2 (MANE Select); 37 bases into the intron before coding-DNA position 229, one base duplicated (T; older notation c.229-37dupT).
Molecular consequence: intron variant.
Genome position (GRCh38, 1-based): chr12:3,680,386, A duplicated on the plus strand (T on the coding strand, the reverse complement: CRACR2A is on the minus strand). VCF-style (leftmost placement, unchanged base first): chr12-3680385-C-CA. GRCh37 (hg19) VCF-style: chr12-3789551-C-CA.
Other names: c.229-37dup (NM_032680.4).
Identifiers: ClinVar variation 2688162 (VCV002688162.2), dbSNP rs35179033, ClinGen allele CA6394761.